The following is an entry in ClinVar:

ClinVar aggregate classification (germline): Uncertain significance (1 of 4 stars; one submission).

Submission:

Ambry Genetics
Classification: Uncertain significance. Last evaluated: 2022-10-12. Review status: criteria provided, single submitter. Criteria: Ambry Variant Classification Scheme 2023. Collection method: clinical testing. Allele origin: germline.
Comment: The p.P1616L variant (also known as c.4847C>T), located in coding exon 43 of the KIF1B gene, results from a C to T substitution at nucleotide position 4847. The proline at codon 1616 is replaced by leucine, an amino acid with similar properties. This amino acid position is conserved. In addition, this alteration is predicted to be tolerated by in silico analysis. Since supporting evidence is limited at this time, the clinical significance of this alteration remains unclear.

NM_001365951.3(KIF1B):c.4985C>T (p.Pro1662Leu)

Gene: KIF1B (kinesin family member 1B; plus strand). Cytogenetic location: 1p36.22.
Variant type: single nucleotide variant.
Coding change: c.4985C>T on transcript NM_001365951.3 (MANE Select); coding-DNA position 4985, C replaced by T.
Protein change: p.Pro1662Leu; replaces proline 1662 with leucine.
Molecular consequence: missense variant.
Genome position (GRCh38, 1-based): chr1:10,374,354, C>T. VCF-style: chr1-10374354-C-T. GRCh37 (hg19) VCF-style: chr1-10434412-C-T.
Other names: c.4985C>T, p.Pro1662Leu (NM_001365952.1); c.4847C>T, p.Pro1616Leu (NM_015074.3); short protein forms P1616L, P1662L.
Identifiers: ClinVar variation 1743533 (VCV001743533.2), dbSNP rs2521977418, ClinGen allele CA338328832.
Genomic context (GRCh38, chr1:10,374,354, plus strand): 5'-TTCTAATCTCTCTATTTTAAAGGACCCCAGAAGCCAATTCCCGGGCCTCTAGTCCCTGCC[C>T]AGAATTTGAACAGTTTCAGATTGTCCCAGCTGTGGAAACACCATATTTGGCCCGAGCAGG-3'
Protein context (NP_001352880.1, residues 1652-1672): EANSRASSPC[Pro1662Leu]EFEQFQIVPA